The following is an entry in ClinVar:

NM_006767.4(LZTR1):c.902del (p.Gly301fs)

Gene: LZTR1 (leucine zipper like post translational regulator 1; plus strand). Cytogenetic location: 22q11.21.
Variant type: Deletion.
Coding change: c.902del on transcript NM_006767.4 (MANE Select); coding-DNA position 902, one base deleted (G; older notation c.902delG).
Protein change: p.Gly301fs; shifts the reading frame from glycine 301.
Molecular consequence: frameshift variant.
Genome position (GRCh38, 1-based): chr22:20,991,738, G deleted; the last of 5 consecutive G bases (chr22:20,991,734-20,991,738); deleting any one gives the same sequence. VCF-style (leftmost placement, unchanged base first): chr22-20991733-TG-T. GRCh37 (hg19) VCF-style: chr22-21346022-TG-T.
Other names: short protein forms G301fs.
Identifiers: ClinVar variation 3541645 (VCV003541645.1).

ClinVar aggregate classification (germline): Pathogenic (1 of 4 stars; one submission).

Conditions:
Hereditary cancer-predisposing syndrome. Also called: Hereditary Cancer Syndrome; Hereditary neoplastic syndrome; Tumor predisposition; Neoplastic Syndromes, Hereditary. Identifiers: Orphanet 140162, MedGen C0027672, MeSH D009386, MONDO:0015356.
Cardiovascular phenotype. Identifiers: MedGen CN230736.

Submission:

Ambry Genetics
Classification: Pathogenic for Cardiovascular phenotype; Hereditary cancer-predisposing syndrome. Last evaluated: 2024-10-25. Review status: criteria provided, single submitter. Criteria: Ambry Variant Classification Scheme 2023. Collection method: clinical testing. Allele origin: germline.
Comment: The c.902delG pathogenic mutation, located in coding exon 9 of the LZTR1 gene, results from a deletion of one nucleotide at nucleotide position 902, causing a translational frameshift with a predicted alternate stop codon (p.G301Vfs*50). This variant is considered to be rare based on population cohorts in the Genome Aggregation Database (gnomAD). Loss-of-function variants in LZTR1 are related to an increased risk for schwannomas and autosomal recessive Noonan syndrome; however, such associations with autosomal dominant Noonan syndrome have not been observed (Piotrowski A et al. Nat Genet. 2014 Feb;46:182-7; Yamamoto GL et al. J Med Genet. 2015 Jun;52:413-21; Johnston JJ et al. Genet Med. 2018 10;20:1175-1185). Based on the supporting evidence, this variant is pathogenic for an increased risk of LZTR1-related schwannomatosis (SWN) and would be expected to cause autosomal recessive Noonan syndrome when present along with a second pathogenic or likely pathogenic variant on the other allele; however, the association of this alteration with autosomal dominant Noonan syndrome is unlikely.